The following is an entry in ClinVar:

ClinVar aggregate classification (germline): Pathogenic. Review status: reviewed by expert panel (3 of 4 stars). 2 submissions from 2 submitters: Pathogenic (1). 1 of the submissions does not count toward it. Last evaluated 2016-09-08.

Conditions:
Breast-ovarian cancer, familial, susceptibility to, 2 (BROVCA2). Also called: BRCA2 Hereditary Breast and Ovarian Cancer. Identifiers: Orphanet 145, MedGen C2675520, MONDO:0012933, OMIM 612555. Disease mechanism: loss of function.

Submissions (2):

Evidence-based Network for the Interpretation of Germline Mutant Alleles (ENIGMA)
Classification: Pathogenic for Breast-ovarian cancer, familial, susceptibility to, 2. Last evaluated: 2016-09-08. Review status: reviewed by expert panel. Criteria: ENIGMA BRCA1/2 Classification Criteria (2015). Collection method: curation. Allele origin: germline.
Comment: Variant allele predicted to encode a truncated non-functional protein.

Breast Cancer Information Core (BIC) (BRCA2)
Classification: Pathogenic for Breast-ovarian cancer, familial 2. Review status: no assertion criteria provided. Collection method: clinical testing. Allele origin: germline. Affected: yes. Observed: 1 variant allele. Not counted in ClinVar's aggregate classification.

NM_000059.4(BRCA2):c.5132_5135del (p.Val1711fs)

Gene: BRCA2 (BRCA2 DNA repair associated; plus strand). Cytogenetic location: 13q13.1.
Variant type: Deletion.
Coding change: c.5132_5135del on transcript NM_000059.4 (MANE Select); coding-DNA positions 5132 to 5135, 4 bases deleted (TAGG; older notation c.5132_5135delTAGG).
Protein change: p.Val1711fs; shifts the reading frame from valine 1711.
Molecular consequence: frameshift variant.
Genome position (GRCh38, 1-based): chr13:32,339,487-32,339,490, TAGG deleted; deleting any 4 consecutive bases within chr13:32,339,486-32,339,490 gives the same sequence; the c. name uses the placement nearest the transcript's 3' end. VCF-style (leftmost placement, unchanged base first): chr13-32339485-TGTAG-T. GRCh37 (hg19) VCF-style: chr13-32913622-TGTAG-T.
Other names: 5359del4; c.5132_5135delTAGG (NM_000059.3); short protein forms V1711fs.
Identifiers: ClinVar variation 254551 (VCV000254551.4), dbSNP rs80359486, ClinGen allele CA021355.